The following is an entry in ClinVar:

ClinVar aggregate classification (germline): Conflicting classifications of pathogenicity. Review status: criteria provided, conflicting classifications (1 of 4 stars). 4 submissions from 4 submitters: Likely pathogenic (1); Uncertain significance (3). Last evaluated 2024-06-04.

Conditions:
Child syndrome. Also called: CHILD (Congenital Hemidysplasia with Ichthyosiform Nevus and Limb Defects) Syndrome. Identifiers: Orphanet 139, MedGen C0265267, MONDO:0010621, OMIM 308050.

Submissions (4):

GeneDx
Classification: Uncertain significance. Last evaluated: 2024-06-04. Review status: criteria provided, single submitter. Criteria: GeneDx Variant Classification Process June 2021. Collection method: clinical testing. Allele origin: germline. Affected: yes.
Comment: Has not been previously published as pathogenic or benign to our knowledge; In silico analysis supports that this missense variant has a deleterious effect on protein structure/function; Not observed at significant frequency in large population cohorts (gnomAD)

Labcorp Genetics (formerly Invitae), Labcorp
Classification: Uncertain significance. Last evaluated: 2020-01-23. Review status: criteria provided, single submitter. Criteria: Invitae Variant Classification Sherloc (09022015). Collection method: clinical testing. Allele origin: germline.
Comment: This variant is not present in population databases (ExAC no frequency). This sequence change replaces arginine with cysteine at codon 199 of the NSDHL protein (p.Arg199Cys). The arginine residue is highly conserved and there is a large physicochemical difference between arginine and cysteine. This variant has not been reported in the literature in individuals with NSDHL-related conditions. ClinVar contains an entry for this variant (Variation ID: 159452). Algorithms developed to predict the effect of missense changes on protein structure and function are either unavailable or do not agree on the potential impact of this missense change (SIFT: "Deleterious"; PolyPhen-2: "Possibly Damaging"; Align-GVGD: "Class C0"). In summary, the available evidence is currently insufficient to determine the role of this variant in disease. Therefore, it has been classified as a Variant of Uncertain Significance.

Eurofins Ntd Llc (ga)
Classification: Uncertain significance. Last evaluated: 2014-09-29. Review status: criteria provided, single submitter. Criteria: EGL Classification Definitions 2015. Collection method: clinical testing. Allele origin: germline. Observed: 1 variant allele, 1 heterozygote.

Genetic Services Laboratory, University of Chicago
Classification: Likely pathogenic for CHILD syndrome. Last evaluated: 2013-02-08. Review status: criteria provided, single submitter. Criteria: ACMG Guidelines, 2007. Collection method: clinical testing. Allele origin: germline. Inheritance: X-linked inheritance. Affected: yes.

NM_015922.3(NSDHL):c.595C>T (p.Arg199Cys)

Gene: NSDHL (NAD(P) dependent 3-beta-hydroxysteroid dehydrogenase NSDHL; plus strand). Cytogenetic location: Xq28.
Variant type: single nucleotide variant.
Coding change: c.595C>T on transcript NM_015922.3 (MANE Select); coding-DNA position 595, C replaced by T.
Protein change: p.Arg199Cys; replaces arginine 199 with cysteine.
Molecular consequence: missense variant.
Genome position (GRCh38, 1-based): chrX:152,865,870, C>T. VCF-style: chrX-152865870-C-T. GRCh37 (hg19) VCF-style: chrX-152034414-C-T.
Other names: c.595C>T, p.Arg199Cys (NM_001129765.2); short protein forms R199C.
Identifiers: ClinVar variation 159452 (VCV000159452.20), dbSNP rs587784223, ClinGen allele CA246761.